The following is an entry in ClinVar:

ClinVar aggregate classification (germline): Uncertain significance (1 of 4 stars; one submission).

Submission:

Labcorp Genetics (formerly Invitae), Labcorp
Classification: Uncertain significance. Last evaluated: 2021-12-02. Review status: criteria provided, single submitter. Criteria: Invitae Variant Classification Sherloc (09022015). Collection method: clinical testing. Allele origin: germline.
Comment: In summary, the available evidence is currently insufficient to determine the role of this variant in disease. Therefore, it has been classified as a Variant of Uncertain Significance. Algorithms developed to predict the effect of missense changes on protein structure and function output the following: SIFT: "Tolerated"; PolyPhen-2: "Benign"; Align-GVGD: "Class C0". The glutamine amino acid residue is found in multiple mammalian species, which suggests that this missense change does not adversely affect protein function. This variant has not been reported in the literature in individuals affected with NUBPL-related conditions. This variant is not present in population databases (gnomAD no frequency). This sequence change replaces arginine, which is basic and polar, with glutamine, which is neutral and polar, at codon 29 of the NUBPL protein (p.Arg29Gln).

NM_025152.3(NUBPL):c.86G>A (p.Arg29Gln)

Gene: NUBPL (NUBP iron-sulfur cluster assembly factor, mitochondrial; plus strand). Cytogenetic location: 14q12.
Variant type: single nucleotide variant.
Coding change: c.86G>A on transcript NM_025152.3 (MANE Select); coding-DNA position 86, G replaced by A.
Protein change: p.Arg29Gln; replaces arginine 29 with glutamine.
Molecular consequence: missense variant. On other transcripts: non-coding transcript variant (1).
Genome position (GRCh38, 1-based): chr14:31,561,525, G>A. VCF-style: chr14-31561525-G-A. GRCh37 (hg19) VCF-style: chr14-32030731-G-A.
Other names: short protein forms R29Q.
Identifiers: ClinVar variation 1460476 (VCV001460476.8), dbSNP rs2033279182, ClinGen allele CA389481641.